The following is an entry in ClinVar:

ClinVar aggregate classification (germline): Uncertain significance (1 of 4 stars; one submission).

gnomAD v4.1: 13 of 1,614,084 alleles (0.00081%); highest among the groups gnomAD compares: African/African-American, 0.0093%; no homozygotes.

Submission:

Labcorp Genetics (formerly Invitae), Labcorp
Classification: Uncertain significance. Last evaluated: 2025-03-04. Review status: criteria provided, single submitter. Criteria: Invitae Variant Classification Sherloc (09022015). Collection method: clinical testing. Allele origin: germline.
Comment: This sequence change replaces proline, which is neutral and non-polar, with threonine, which is neutral and polar, at codon 217 of the EPAS1 protein (p.Pro217Thr). This variant is present in population databases (rs762754699, gnomAD 0.003%). This variant has not been reported in the literature in individuals affected with EPAS1-related conditions. An algorithm developed to predict the effect of missense changes on protein structure and function (PolyPhen-2) suggests that this variant is likely to be disruptive. In summary, the available evidence is currently insufficient to determine the role of this variant in disease. Therefore, it has been classified as a Variant of Uncertain Significance.

NM_001430.5(EPAS1):c.649C>A (p.Pro217Thr)

Genes: EPAS1 (endothelial PAS domain protein 1; plus strand), LOC126806210 (BRD4-independent group 4 enhancer GRCh37_chr2:46587586-46588785; plus strand). Cytogenetic location: 2p21.
Variant type: single nucleotide variant.
Coding change: c.649C>A on transcript NM_001430.5 (MANE Select); coding-DNA position 649, C replaced by A.
Protein change: p.Pro217Thr; replaces proline 217 with threonine.
Molecular consequence: missense variant.
Genome position (GRCh38, 1-based): chr2:46,360,960, C>A. VCF-style: chr2-46360960-C-A. GRCh37 (hg19) VCF-style: chr2-46588099-C-A.
Other names: short protein forms P217T.
Identifiers: ClinVar variation 4748811 (VCV004748811.1).